The following is an entry in ClinVar:

ClinVar aggregate classification (germline): Pathogenic/Likely pathogenic. Review status: criteria provided, multiple submitters, no conflicts (2 of 4 stars). 2 submissions from 2 submitters: Pathogenic (1); Likely pathogenic (1). Last evaluated 2025-05-29.

Conditions:
Pendred syndrome (PDS). Also called: GOITER-DEAFNESS SYNDROME; HYPOTHYROIDISM, CONGENITAL, DUE TO DYSHORMONOGENESIS, 2B; THYROID DYSHORMONOGENESIS 2B; THYROID HORMONOGENESIS, GENETIC DEFECT IN, 2B; Pendred's syndrome; DEAFNESS WITH GOITER. Identifiers: Orphanet 705, MedGen C0271829, MONDO:0010134, OMIM 274600.
Autosomal recessive nonsyndromic hearing loss 4 (DFNB4). Also called: NEUROSENSORY NONSYNDROMIC RECESSIVE DEAFNESS 4; Nonsyndromic enlarged vestibular aqueduct (NSEVA); Deafness, autosomal recessive 4; FOXI1-Related Pendred Syndrome; KCNJ10-Related Pendred Syndrome; Enlarged vestibular aqueduct, digenic. Identifiers: Orphanet 90636, MedGen C3538946, MONDO:0010933, OMIM 600791.

Submissions (2):

Natera, Inc.
Classification: Likely pathogenic for Pendred syndrome. Last evaluated: 2025-05-29. Review status: criteria provided, single submitter. Criteria: Natera Variant Classification Schema (03/2026). Collection method: clinical testing. Allele origin: germline.
Comment: The c.1708-2A>G variant in SLC26A4 is a canonical splice acceptor site variant predicted to affect pre-mRNA splicing, which may result in an abnormal transcript and altered protein product. This variant is expected to result in nonsense mediated decay, truncation, or a dysfunctional protein product. This variant is rare in the general population with a frequency below the threshold expected for the associated phenotype(s). Given the available evidence, this variant is classified as Likely Pathogenic.

Institute of Rare Diseases, West China Hospital, Sichuan University
Classification: Pathogenic for Autosomal recessive nonsyndromic hearing loss 4. Last evaluated: 2025-01-09. Review status: criteria provided, single submitter. Criteria: ClinGen HL ACMG Specifications v1. Collection method: research. Allele origin: germline. Affected: yes.
Comment: PVS1;PM3;PP4;PM2_Supporting

NM_000441.2(SLC26A4):c.1708-2A>G

Gene: SLC26A4 (solute carrier family 26 member 4; plus strand). Cytogenetic location: 7q22.3.
Variant type: single nucleotide variant.
Coding change: c.1708-2A>G on transcript NM_000441.2 (MANE Select); the canonical splice acceptor site of the intron before coding-DNA position 1708, A replaced by G.
Molecular consequence: splice acceptor variant.
Genome position (GRCh38, 1-based): chr7:107,701,099, A>G. VCF-style: chr7-107701099-A-G. GRCh37 (hg19) VCF-style: chr7-107341544-A-G.
Other names: c.1708-2A>G (NM_000441.1).
Identifiers: ClinVar variation 3601750 (VCV003601750.3).